The following is an entry in ClinVar:

ClinVar aggregate classification (germline): Pathogenic (1 of 4 stars; one submission).

Allele frequency attached by ClinVar (database versions not stated): TOPMed below 0.00001.

Submission:

Labcorp Genetics (formerly Invitae), Labcorp
Classification: Pathogenic. Last evaluated: 2022-01-14. Review status: criteria provided, single submitter. Criteria: Invitae Variant Classification Sherloc (09022015). Collection method: clinical testing. Allele origin: germline.
Comment: For these reasons, this variant has been classified as Pathogenic. This variant has not been reported in the literature in individuals affected with LAMB1-related conditions. This variant is not present in population databases (gnomAD no frequency). This sequence change creates a premature translational stop signal (p.Gln1621*) in the LAMB1 gene. It is expected to result in an absent or disrupted protein product. Loss-of-function variants in LAMB1 are known to be pathogenic (PMID: 23472759, 25925986).

Literature cited by the submitters: PubMed 23472759; PubMed 25925986.

NM_002291.3(LAMB1):c.4861C>T (p.Gln1621Ter)

Gene: LAMB1 (laminin subunit beta 1; minus strand). Cytogenetic location: 7q31.1.
Variant type: single nucleotide variant.
Coding change: c.4861C>T on transcript NM_002291.3 (MANE Select); coding-DNA position 4861, C replaced by T.
Protein change: p.Gln1621Ter; replaces glutamine 1621 with a stop codon.
Molecular consequence: nonsense.
Genome position (GRCh38, 1-based): chr7:107,929,090, G>A on the plus strand (C>T on the coding strand, the complement: LAMB1 is on the minus strand). VCF-style: chr7-107929090-G-A. GRCh37 (hg19) VCF-style: chr7-107569535-G-A.
Other names: short protein forms Q1621*.
Identifiers: ClinVar variation 2082451 (VCV002082451.4), dbSNP rs772463630, ClinGen allele CA368861701.